The following is an entry in ClinVar:

NM_024675.4(PALB2):c.3018G>T (p.Leu1006Phe)

Gene: PALB2 (partner and localizer of BRCA2; minus strand). Cytogenetic location: 16p12.2.
Variant type: single nucleotide variant.
Coding change: c.3018G>T on transcript NM_024675.4 (MANE Select); coding-DNA position 3018, G replaced by T.
Protein change: p.Leu1006Phe; replaces leucine 1006 with phenylalanine.
Molecular consequence: missense variant.
Genome position (GRCh38, 1-based): chr16:23,621,457, C>A on the plus strand (G>T on the coding strand, the complement: PALB2 is on the minus strand). VCF-style: chr16-23621457-C-A. GRCh37 (hg19) VCF-style: chr16-23632778-C-A.
Other names: short protein forms L1006F.
Identifiers: ClinVar variation 664544 (VCV000664544.19), dbSNP rs1597079904, ClinGen allele CA395143137.
Genomic context (GRCh38, chr16:23,621,457, plus strand): 5'-CAGAGCTTCTTGCATCCCTTGGACCTCAGCAAAAGTTAGTATAGTCTCCTCAGGGGGCAT[C>A]AAAAATTGGTTTTCTTTGCCTCTGTAATTAAAACAGTATGAAAAGTCAGTACTTTGCACT-3'
Protein context (NP_078951.2, residues 996-1016): EDGGGKENQF[Leu1006Phe]MPPEETILTF

ClinVar aggregate classification (germline): Uncertain significance. Review status: criteria provided, multiple submitters, no conflicts (2 of 4 stars). 4 submissions from 4 submitters: Uncertain significance (4). Last evaluated 2025-04-22.

Conditions:
Hereditary cancer-predisposing syndrome. Also called: Tumor predisposition; Hereditary neoplastic syndrome; Neoplastic Syndromes, Hereditary; Hereditary Cancer Syndrome. Identifiers: Orphanet 140162, MedGen C0027672, MeSH D009386, MONDO:0015356.
Familial cancer of breast. Also called: BREAST CANCER, FAMILIAL; hereditary breast carcinoma; Hereditary breast cancer. Identifiers: Orphanet 227535, MedGen C0346153, MONDO:0016419, OMIM 114480. Disease mechanism: loss of function.

gnomAD v4.1: 1 of 1,613,832 alleles (0.000062%); highest among the groups gnomAD compares: Admixed American, 0.0017%; no homozygotes.

Submissions (4):

Labcorp Genetics (formerly Invitae), Labcorp
Classification: Uncertain significance for Familial cancer of breast. Last evaluated: 2025-04-22. Review status: criteria provided, single submitter. Criteria: Invitae Variant Classification Sherloc (09022015). Collection method: clinical testing. Allele origin: germline.
Comment: This sequence change replaces leucine, which is neutral and non-polar, with phenylalanine, which is neutral and non-polar, at codon 1006 of the PALB2 protein (p.Leu1006Phe). This variant is not present in population databases (gnomAD no frequency). This missense change has been observed in individual(s) with prostate cancer and colorectal cancer (internal data). This missense change has been observed to co-occur in individuals with a different variant in PALB2 that has been determined to be pathogenic (internal data), but the significance of this finding is unclear. ClinVar contains an entry for this variant (Variation ID: 664544). Invitae Evidence Modeling of protein sequence and biophysical properties (such as structural, functional, and spatial information, amino acid conservation, physicochemical variation, residue mobility, and thermodynamic stability) indicates that this missense variant is expected to disrupt PALB2 protein function with a positive predictive value of 80%. In summary, the available evidence is currently insufficient to determine the role of this variant in disease. Therefore, it has been classified as a Variant of Uncertain Significance.

Ambry Genetics
Classification: Uncertain significance for Hereditary cancer-predisposing syndrome. Last evaluated: 2024-05-15. Review status: criteria provided, single submitter. Criteria: Ambry Variant Classification Scheme 2023. Collection method: clinical testing. Allele origin: germline.
Comment: The p.L1006F variant (also known as c.3018G>T), located in coding exon 10 of the PALB2 gene, results from a G to T substitution at nucleotide position 3018. The leucine at codon 1006 is replaced by phenylalanine, an amino acid with highly similar properties. This amino acid position is highly conserved in available vertebrate species. In addition, this alteration is predicted to be tolerated by in silico analysis. Since supporting evidence is limited at this time, the clinical significance of this alteration remains unclear.

Baylor Genetics
Classification: Uncertain significance for Familial cancer of breast. Last evaluated: 2023-06-12. Review status: criteria provided, single submitter. Criteria: ACMG Guidelines, 2015. Collection method: clinical testing. Allele origin: unknown.

Color Diagnostics, LLC DBA Color Health
Classification: Uncertain significance for Hereditary cancer-predisposing syndrome. Last evaluated: 2021-03-18. Review status: criteria provided, single submitter. Criteria: ACMG Guidelines, 2015. Collection method: clinical testing. Allele origin: germline.
Comment: This missense variant replaces leucine with phenylalanine at codon 1006 of the PALB2 protein. Computational prediction suggests that this variant may not impact protein structure and function (internally defined REVEL score threshold <= 0.5, PMID: 27666373). Splice site prediction tools suggest that this variant may not impact RNA splicing. To our knowledge, functional studies have not been reported for this variant. This variant has not been reported in individuals affected with hereditary cancer in the literature. This variant has not been identified in the general population by the Genome Aggregation Database (gnomAD). The available evidence is insufficient to determine the role of this variant in disease conclusively. Therefore, this variant is classified as a Variant of Uncertain Significance.